The following is an entry in ClinVar:

NM_003072.5(SMARCA4):c.2384A>C (p.Tyr795Ser)

Gene: SMARCA4 (SWI/SNF related BAF chromatin remodeling complex subunit ATPase 4; plus strand). Cytogenetic location: 19p13.2.
Variant type: single nucleotide variant.
Coding change: c.2384A>C on transcript NM_003072.5 (MANE Select); coding-DNA position 2384, A replaced by C.
Protein change: p.Tyr795Ser; replaces tyrosine 795 with serine.
Molecular consequence: missense variant. On other transcripts: non-coding transcript variant (1).
Genome position (GRCh38, 1-based): chr19:11,013,058, A>C. VCF-style: chr19-11013058-A-C. GRCh37 (hg19) VCF-style: chr19-11123734-A-C.
Other names: c.2384A>C, p.Tyr795Ser (NM_001128844.3, NM_001128845.2, NM_001128846.2 and 6 more transcripts); short protein forms Y795S.
Identifiers: ClinVar variation 1790468 (VCV001790468.2), dbSNP rs1600209721, ClinGen allele CA404053241.
Genomic context (GRCh38, chr19:11,013,058, plus strand): 5'-GCATCCTGGCCGACGAGATGGGCCTGGGGAAGACCATCCAGACCATCGCGCTCATCACGT[A>C]CCTCATGGAGCACAAACGCATCAATGGGCCCTTCCTCATCATCGTGCCTCTCTCGTGAGT-3'
Protein context (NP_003063.2, residues 785-805): KTIQTIALIT[Tyr795Ser]LMEHKRINGP

ClinVar aggregate classification (germline): Uncertain significance (1 of 4 stars; one submission).

Conditions:
Hereditary cancer-predisposing syndrome. Also called: Hereditary Cancer Syndrome; Hereditary neoplastic syndrome; Tumor predisposition; Neoplastic Syndromes, Hereditary. Identifiers: Orphanet 140162, MedGen C0027672, MeSH D009386, MONDO:0015356.

Submission:

Ambry Genetics
Classification: Uncertain significance for Hereditary cancer-predisposing syndrome. Last evaluated: 2019-04-22. Review status: criteria provided, single submitter. Criteria: Ambry Variant Classification Scheme 2023. Collection method: clinical testing. Allele origin: germline.
Comment: The p.Y795S variant (also known as c.2384A>C), located in coding exon 15 of the SMARCA4 gene, results from an A to C substitution at nucleotide position 2384. The tyrosine at codon 795 is replaced by serine, an amino acid with dissimilar properties. This amino acid position is highly conserved in available vertebrate species. In addition, this alteration is predicted to be deleterious by in silico analysis. Since supporting evidence is limited at this time, the clinical significance of this alteration remains unclear.